The following is an entry in ClinVar:

NM_015915.5(ATL1):c.1003A>T (p.Ile335Phe)

Gene: ATL1 (atlastin GTPase 1; plus strand). Cytogenetic location: 14q22.1.
Variant type: single nucleotide variant.
Coding change: c.1003A>T on transcript NM_015915.5 (MANE Select); coding-DNA position 1003, A replaced by T.
Protein change: p.Ile335Phe; replaces isoleucine 335 with phenylalanine.
Molecular consequence: missense variant.
Genome position (GRCh38, 1-based): chr14:50,621,855, A>T. VCF-style: chr14-50621855-A-T. GRCh37 (hg19) VCF-style: chr14-51088573-A-T.
Other names: c.1003A>T, p.Ile335Phe (NM_001127713.1, NM_181598.4); short protein forms I335F.
Identifiers: ClinVar variation 4849596 (VCV004849596.1).

ClinVar aggregate classification (germline): Uncertain significance (1 of 4 stars; one submission).

Conditions:
Spastic paraplegia. Identifiers: MedGen C0037772, HP:0001258.

gnomAD v4.1: 1 of 1,590,846 alleles (0.000063%); highest among the groups gnomAD compares: Non-Finnish European, 0.000086%; no homozygotes.

Submission:

Clinical Genetics Laboratory, Skane University Hospital Lund
Classification: Uncertain significance for Spastic paraplegia. Last evaluated: 2026-05-05. Review status: criteria provided, single submitter. Criteria: ACMG Guidelines, 2015. Collection method: clinical testing. Allele origin: germline. Affected: yes.
Comment: ACMG criteria used: PM2, PP3